The following is an entry in ClinVar:

ClinVar aggregate classification (germline): Likely benign (1 of 4 stars; one submission).

Submission:

CeGaT Center for Human Genetics Tuebingen
Classification: Likely benign. Last evaluated: 2022-06-01. Review status: criteria provided, single submitter. Criteria: CeGaT Center For Human Genetics Tuebingen Variant Classification Criteria Version 2. Collection method: clinical testing. Allele origin: germline. Affected: yes. Observed: 1 variant allele.
Comment: DGCR6: PM2:Supporting, BP4, BP7

NM_005675.6(DGCR6):c.420G>A (p.Lys140=)

Gene: DGCR6 (DiGeorge syndrome critical region gene 6; plus strand). Cytogenetic location: 22q11.21.
Variant type: single nucleotide variant.
Coding change: c.420G>A on transcript NM_005675.6 (MANE Select); coding-DNA position 420, G replaced by A.
Protein change: p.Lys140=; no amino-acid change (lysine 140 retained).
Molecular consequence: synonymous variant.
Genome position (GRCh38, 1-based): chr22:18,910,935, G>A. VCF-style: chr22-18910935-G-A. GRCh37 (hg19) VCF-style: chr22-18898448-G-A.
Identifiers: ClinVar variation 2652849 (VCV002652849.24), dbSNP rs2517444946, ClinGen allele CA512933584.